The following is an entry in ClinVar:

ClinVar aggregate classification (germline): Pathogenic. Review status: criteria provided, multiple submitters, no conflicts (2 of 4 stars). 3 submissions from 3 submitters: Pathogenic (3). Last evaluated 2024-09-22.

Conditions:
Inborn genetic diseases. Identifiers: MedGen C0950123, MeSH D030342.
Hyperammonemia, type III (NAGSD). Also called: Hyperammonemia due to N-acetylglutamate synthase deficiency. Identifiers: Orphanet 927, MedGen C0268543, MONDO:0009377, OMIM 237310.

Allele frequency attached by ClinVar (database versions not stated): gnomAD exomes below 0.00001.
gnomAD v4.1: 1 of 1,613,662 alleles (0.000062%); highest among the groups gnomAD compares: Non-Finnish European, 0.000085%; no homozygotes.

Submissions (3):

Labcorp Genetics (formerly Invitae), Labcorp
Classification: Pathogenic for Hyperammonemia, type III. Last evaluated: 2024-09-22. Review status: criteria provided, single submitter. Criteria: Invitae Variant Classification Sherloc (09022015). Collection method: clinical testing. Allele origin: germline.
Comment: This sequence change affects an acceptor splice site in intron 4 of the NAGS gene. It is expected to disrupt RNA splicing. Variants that disrupt the donor or acceptor splice site typically lead to a loss of protein function (PMID: 16199547), and loss-of-function variants in NAGS are known to be pathogenic (PMID: 12594532). This variant is not present in population databases (gnomAD no frequency). Disruption of this splice site has been observed in individual(s) with N-acetylglutamate synthase deficiency (PMID: 15714518). In at least one individual the data is consistent with being in trans (on the opposite chromosome) from a pathogenic variant. It has also been observed to segregate with disease in related individuals. This variant is also known as IVS4-1G>C. ClinVar contains an entry for this variant (Variation ID: 1378447). Algorithms developed to predict the effect of sequence changes on RNA splicing suggest that this variant may disrupt the consensus splice site. For these reasons, this variant has been classified as Pathogenic.

GeneDx
Classification: Pathogenic. Last evaluated: 2023-05-01. Review status: criteria provided, single submitter. Criteria: GeneDx Variant Classification Process June 2021. Collection method: clinical testing. Allele origin: germline. Affected: yes.
Comment: Canonical splice site variant predicted to result in a null allele in a gene for which loss of function is a known mechanism of disease; Not observed at significant frequency in large population cohorts (gnomAD); Identified in a patient with a urea cycle disorder in the literature, but it is unknown whether this individual was tested for variants in other genes associated with urea cycle disorders (Caldovic et al., 2005); This variant is associated with the following publications: (PMID: 17421020, 27570737, 15050968, 15714518)

Ambry Genetics
Classification: Pathogenic for Inborn genetic diseases. Last evaluated: 2022-09-09. Review status: criteria provided, single submitter. Criteria: Ambry Variant Classification Scheme 2023. Collection method: clinical testing. Allele origin: germline.
Comment: The c.1097-1G>C intronic alteration consists of a G to C substitution one nucleotide before exon 5 (coding exon 5) of the NAGS gene. This alteration occurs at the 3' terminus of the NAGS gene, is not expected to trigger nonsense-mediated mRNA decay, and impacts the last 167 amino acids of the protein. The exact functional effect of this alteration is unknown; however, the impacted region is critical for protein function and a significant portion of the protein is affected (Ambry internal data). This variant was not reported in population-based cohorts in the Genome Aggregation Database (gnomAD). This variant has been reported in trans with a second variant in NAGS in individuals with clinical features of N-acetylglutamate synthase deficiency (Morizono, 2004; Caldovic, 2005; Caldovic, 2007). Additionally, another alteration impacting the same acceptor site (c.1097-2A>T) has been detected in the homozygous state in an individual with clinical features of N-acetylglutamate synthase deficiency (Al Kaabi, 2016). This nucleotide position is highly conserved in available vertebrate species. In silico splice site analysis predicts that this alteration will weaken the native splice acceptor site and will result in the creation or strengthening of a novel splice acceptor site. Based on the available evidence, this alteration is classified as pathogenic.

Literature cited by the submitters: PubMed 16199547 (cited by Labcorp Genetics (formerly Invitae), Labcorp); PubMed 12594532 (cited by Labcorp Genetics (formerly Invitae), Labcorp); PubMed 15714518 (cited by Labcorp Genetics (formerly Invitae), Labcorp and Ambry Genetics); PubMed 15050968 (cited by Ambry Genetics); PubMed 17421020 (cited by Ambry Genetics); PubMed 27570737 (cited by Ambry Genetics).

NM_153006.3(NAGS):c.1097-1G>C

Gene: NAGS (N-acetylglutamate synthase; plus strand). Cytogenetic location: 17q21.31.
Variant type: single nucleotide variant.
Coding change: c.1097-1G>C on transcript NM_153006.3 (MANE Select); the canonical splice acceptor site of the intron before coding-DNA position 1097, G replaced by C.
Molecular consequence: splice acceptor variant.
Genome position (GRCh38, 1-based): chr17:44,007,322, G>C. VCF-style: chr17-44007322-G-C. GRCh37 (hg19) VCF-style: chr17-42084690-G-C.
Identifiers: ClinVar variation 1378447 (VCV001378447.8), dbSNP rs2143989613, ClinGen allele CA399726640.
Genomic context (GRCh38, chr17:44,007,322, plus strand): 5'-TCCCCACCAGGCTGCGCAAACGGCCCTCCAGCCAGACTAGCCCCTCCCCATCCTCCTCCA[G>C]GGTCCGGGACCCTGTTCAAGAACGCCGAGCGAATGCTACGGGTGCGCAGCCTGGACAAGC-3'